The following is an entry in ClinVar:

ClinVar aggregate classification (germline): Uncertain significance (1 of 4 stars; one submission).

Conditions:
Familial thoracic aortic aneurysm and aortic dissection (TAAD). Also called: Thoracic aortic aneurysms and dissections. Identifiers: Orphanet 91387, MedGen C4707243, MONDO:0019625.

Submission:

Ambry Genetics
Classification: Uncertain significance for Familial thoracic aortic aneurysm and aortic dissection. Last evaluated: 2024-05-17. Review status: criteria provided, single submitter. Criteria: Ambry Variant Classification Scheme 2023. Collection method: clinical testing. Allele origin: germline.
Comment: The p.T1797I variant (also known as c.5390C>T), located in coding exon 31 of the FLNA gene, results from a C to T substitution at nucleotide position 5390. The threonine at codon 1797 is replaced by isoleucine, an amino acid with similar properties. This amino acid position is highly conserved in available vertebrate species. In addition, this alteration is predicted to be deleterious by in silico analysis. Based on the available evidence, the clinical significance of this variant remains unclear.

NM_001110556.2(FLNA):c.5414C>T (p.Thr1805Ile)

Gene: FLNA (filamin A; minus strand). Cytogenetic location: Xq28.
Variant type: single nucleotide variant.
Coding change: c.5414C>T on transcript NM_001110556.2 (MANE Select); coding-DNA position 5414, C replaced by T.
Protein change: p.Thr1805Ile; replaces threonine 1805 with isoleucine.
Molecular consequence: missense variant.
Genome position (GRCh38, 1-based): chrX:154,354,383, G>A on the plus strand (C>T on the coding strand, the complement: FLNA is on the minus strand). VCF-style: chrX-154354383-G-A. GRCh37 (hg19) VCF-style: chrX-153582751-G-A.
Other names: c.5390C>T, p.Thr1797Ile (NM_001456.4); short protein forms T1797I, T1805I.
Identifiers: ClinVar variation 3279180 (VCV003279180.1).
Genomic context (GRCh38, chrX:154,354,383, plus strand): 5'-CTCATTGGCACAGTCTGGCCTCCTTGGCTCCCGAGCTCCTTCCCAAGTCCCCACTCACCT[G>A]TGATCTCGCCCTTCTTGATGGTGAAGGGGATGACAAGGTCAAAGGGCCTCAGGCTGGTCA-3'
Protein context (NP_001104026.1, residues 1795-1815): IPFTIKKGEI[Thr1805Ile]GEVRMPSGKV